The following is an entry in ClinVar:

ClinVar aggregate classification (germline): Benign. Review status: reviewed by expert panel (3 of 4 stars). 5 submissions from 5 submitters: Benign (1). 4 of the submissions do not count toward it. Last evaluated 2024-04-03.

Conditions:
T-B+ severe combined immunodeficiency due to JAK3 deficiency. Also called: SCID, autosomal recessive, T-negative/B-positive type; SCID, T CELL-NEGATIVE, B CELL-POSITIVE, NK CELL-NEGATIVE. Identifiers: Orphanet 35078, MedGen C1833275, MONDO:0010938, OMIM 600802.

Allele frequency attached by ClinVar (database versions not stated): gnomAD exomes 0.00035; ExAC 0.00038; ESP Exome Variant Server 0.00123; gnomAD 0.00141 and 0.00150; TOPMed 0.00151; 1000 Genomes Project 0.00160; 1000 Genomes Project 30x 0.00234.
gnomAD v4.1: 597 of 1,613,906 alleles (0.037%); highest among the groups gnomAD compares: African/African-American, 0.5%; 3 homozygotes.

Submissions (5):

ClinGen Severe Combined Immunodeficiency Variant Curation Expert Panel, ClinGen
Classification: Benign for T-B+ severe combined immunodeficiency due to JAK3 deficiency. Last evaluated: 2024-04-03. Review status: reviewed by expert panel. Criteria: ClinGen SCID ACMG Specifications JAK3 V1.0.0. Collection method: curation. Allele origin: germline. Inheritance: Autosomal recessive inheritance.
Comment: NM_000215.4(JAK3):c.3268G>A is a missense variant predicted to cause substitution of Alanine by Threonine at amino acid 1090 (p.Ala1090Thr). The filtering allele frequency (the lower threshold of the 95% CI of 373/75020) of the c.3268G>A variant in JAK3 is 0.004556 for African/African American chromosomes by gnomAD v4, which is higher than the ClinGen SCID VCEP threshold (>0.00447) for BA1, and therefore meets this criterion (BA1). In summary, this variant meets the criteria to be classified as Benign for autosomal recessive severe combined immunodeficiency due to JAK3 deficiency based on the ACMG/AMP criteria applied, as specified by the ClinGen SCID VCEP: BA1 (VCEP specifications version 1).

Women's Health and Genetics/Laboratory Corporation of America, LabCorp
Classification: Likely benign. Last evaluated: 2026-02-11. Review status: criteria provided, single submitter. Criteria: LabCorp Variant Classification Summary - May 2015. Collection method: clinical testing. Allele origin: germline. Not counted in ClinVar's aggregate classification.
Comment: Variant summary: JAK3 c.3268G>A (p.Ala1090Thr) results in a non-conservative amino acid change in the encoded protein sequence. Algorithms developed to predict the effect of missense changes on protein structure and function are either unavailable or do not agree on the potential impact of this missense change. The variant allele was found at a frequency of 0.00035 in 248674 control chromosomes, predominantly at a frequency of 0.004 within the African or African-American subpopulation in the gnomAD database. The observed variant frequency within African or African-American control individuals in the gnomAD database exceeds the estimated maximal expected allele frequency for disease-causing variants in JAK3. To our knowledge, no occurrence of c.3268G>A in individuals affected with JAK3-related conditions and no experimental evidence demonstrating its impact on protein function have been reported. ClinVar contains an entry for this variant (Variation ID: 134579). Based on the evidence outlined above, the variant was classified as likely benign.

Labcorp Genetics (formerly Invitae), Labcorp
Classification: Likely benign for T-B+ severe combined immunodeficiency due to JAK3 deficiency. Last evaluated: 2026-01-17. Review status: criteria provided, single submitter. Criteria: Invitae Variant Classification Sherloc (09022015). Collection method: clinical testing. Allele origin: germline. Not counted in ClinVar's aggregate classification.

ITMI
No classification provided. Condition: AllHighlyPenetrant. Last evaluated: 2013-09-19. Review status: no classification provided. Collection method: reference population. Allele origin: germline. Not counted in ClinVar's aggregate classification.
Comment: Please see associated publication for description of ethnicities

Department of Pathology and Laboratory Medicine, Sinai Health System
Classification: Likely benign. Review status: no assertion criteria provided. Collection method: clinical testing. Allele origin: unknown. Affected: yes. Study: The Canadian Open Genetics Repository (COGR). Not counted in ClinVar's aggregate classification.
Comment: The JAK3 p.Ala1090Thr variant was not identified in the literature but was identified in dbSNP (ID: rs144968714), ClinVar (classified as likely benign by Invitae) and LOVD 3.0 (variant effect not shared). The variant was identified in control databases in 127 of 280068 chromosomes at a frequency of 0.0004535 increasing the likelihood this could be a low frequency benign variant (Genome Aggregation Database March 6, 2019, v2.1.1). The variant was observed in the following populations: African in 105 of 24964 chromosomes (freq: 0.004206), Other in 6 of 7206 chromosomes (freq: 0.000833), Latino in 6 of 35430 chromosomes (freq: 0.000169) and East Asian in 3 of 19948 chromosomes (freq: 0.00015), European (non-Finnish) in 7 of 126746 chromosomes (freq: 0.000055), but was not observed in the Ashkenazi Jewish, European (Finnish), or South Asian populations. The p.Ala1090 residue is not conserved in mammals and computational analyses (PolyPhen-2, SIFT, AlignGVGD, BLOSUM, MutationTaster) do not suggest a high likelihood of impact to the protein; however, this information is not predictive enough to rule out pathogenicity. The variant occurs outside of the splicing consensus sequence and in silico or computational prediction software programs (SpliceSiteFinder, MaxEntScan, NNSPLICE, GeneSplicer) do not predict a difference in splicing. In summary, based on the above information the clinical significance of this variant cannot be determined with certainty at this time although we would lean towards a more benign role for this variant. This variant is classified as likely benign.

Literature cited by the submitters: PubMed 16843266 (cited by Women's Health and Genetics/Laboratory Corporation of America, LabCorp); PubMed 17252020 (cited by Women's Health and Genetics/Laboratory Corporation of America, LabCorp); PubMed 23832011 (cited by Women's Health and Genetics/Laboratory Corporation of America, LabCorp); PubMed 22425895 (cited by Women's Health and Genetics/Laboratory Corporation of America, LabCorp); PubMed 25595890 (cited by Women's Health and Genetics/Laboratory Corporation of America, LabCorp); PubMed 22237106 (cited by Women's Health and Genetics/Laboratory Corporation of America, LabCorp); PubMed 24728327 (cited by ITMI).

NM_000215.4(JAK3):c.3268G>A (p.Ala1090Thr)

Gene: JAK3 (Janus kinase 3; minus strand). Cytogenetic location: 19p13.11.
Variant type: single nucleotide variant.
Coding change: c.3268G>A on transcript NM_000215.4 (MANE Select); coding-DNA position 3268, G replaced by A.
Protein change: p.Ala1090Thr; replaces alanine 1090 with threonine.
Molecular consequence: missense variant.
Genome position (GRCh38, 1-based): chr19:17,826,850, C>T on the plus strand (G>A on the coding strand, the complement: JAK3 is on the minus strand). VCF-style: chr19-17826850-C-T. GRCh37 (hg19) VCF-style: chr19-17937659-C-T.
Other names: NM_000215.4(JAK3):c.3268G>A; p.Ala1090Thr; short protein forms A1090T.
Identifiers: ClinVar variation 134579 (VCV000134579.15), dbSNP rs144968714, ClinGen allele CA160243.